The following is an entry in ClinVar:

NM_001035.3(RYR2):c.11335G>A (p.Asp3779Asn)

Gene: RYR2 (ryanodine receptor 2; plus strand). Cytogenetic location: 1q43.
Variant type: single nucleotide variant.
Coding change: c.11335G>A on transcript NM_001035.3 (MANE Select); coding-DNA position 11335, G replaced by A.
Protein change: p.Asp3779Asn; replaces aspartic acid 3779 with asparagine.
Molecular consequence: missense variant.
Genome position (GRCh38, 1-based): chr1:237,759,785, G>A. VCF-style: chr1-237759785-G-A. GRCh37 (hg19) VCF-style: chr1-237923085-G-A.
Other names: short protein forms D3779N.
Identifiers: ClinVar variation 4088080 (VCV004088080.1).

ClinVar aggregate classification (germline): Uncertain significance (1 of 4 stars; one submission).

Submission:

GeneDx
Classification: Uncertain significance. Last evaluated: 2025-03-28. Review status: criteria provided, single submitter. Criteria: GeneDx Variant Classification Process June 2021. Collection method: clinical testing. Allele origin: germline. Affected: yes.
Comment: Not observed at significant frequency in large population cohorts (gnomAD); In silico analysis supports that this missense variant has a deleterious effect on protein structure/function; Has not been previously published as pathogenic or benign to our knowledge; Located in one of the three hot-spot regions of the RYR2 gene, where the majority of pathogenic missense variants occur (PMID: 19926015); This variant is associated with the following publications: (PMID: 19926015)